The following is an entry in ClinVar:

ClinVar aggregate classification (germline): Pathogenic (1 of 4 stars; one submission).

Conditions:
Primary ciliary dyskinesia. Also called: Ciliary dyskinesia. Identifiers: Orphanet 244, MedGen C0008780, MONDO:0016575, HP:0012265.

Submission:

Labcorp Genetics (formerly Invitae), Labcorp
Classification: Pathogenic for Primary ciliary dyskinesia. Last evaluated: 2024-09-24. Review status: criteria provided, single submitter. Criteria: Invitae Variant Classification Sherloc (09022015). Collection method: clinical testing. Allele origin: germline.
Comment: This sequence change creates a premature translational stop signal (p.Trp3857*) in the DNAH11 gene. It is expected to result in an absent or disrupted protein product. Loss-of-function variants in DNAH11 are known to be pathogenic (PMID: 18022865, 20513915, 22184204). This variant is not present in population databases (gnomAD no frequency). This variant has not been reported in the literature in individuals affected with DNAH11-related conditions. ClinVar contains an entry for this variant (Variation ID: 2172519). Algorithms developed to predict the effect of sequence changes on RNA splicing suggest that this variant may create or strengthen a splice site. For these reasons, this variant has been classified as Pathogenic.

Literature cited by the submitters: PubMed 18022865; PubMed 20513915; PubMed 22184204.

NM_001277115.2(DNAH11):c.11570G>A (p.Trp3857Ter)

Gene: DNAH11 (dynein axonemal heavy chain 11; plus strand). Cytogenetic location: 7p15.3.
Variant type: single nucleotide variant.
Coding change: c.11570G>A on transcript NM_001277115.2 (MANE Select); coding-DNA position 11570, G replaced by A.
Protein change: p.Trp3857Ter; replaces tryptophan 3857 with a stop codon.
Molecular consequence: nonsense.
Genome position (GRCh38, 1-based): chr7:21,866,543, G>A. VCF-style: chr7-21866543-G-A. GRCh37 (hg19) VCF-style: chr7-21906161-G-A.
Other names: c.11591G>A, p.Trp3864Ter (NM_003777.3); short protein forms W3857*, W3864*.
Identifiers: ClinVar variation 2172519 (VCV002172519.4), dbSNP rs2535505726, ClinGen allele CA366961981.